The following is an entry in ClinVar:

ClinVar aggregate classification (germline): Uncertain significance (1 of 4 stars; one submission).

Conditions:
Malignant hyperthermia, susceptibility to, 5 (MHS5). Also called: CACNA1S-Related Malignant Hyperthermia Susceptibility. Identifiers: Orphanet 423, MedGen C1866077, MONDO:0011163, OMIM 601887.

gnomAD v4.1: 1 of 1,613,932 alleles (0.000062%); highest among the groups gnomAD compares: Admixed American, 0.0017%; no homozygotes.

Submission:

Color Diagnostics, LLC DBA Color Health
Classification: Uncertain significance for Malignant hyperthermia, susceptibility to, 5. Last evaluated: 2025-10-03. Review status: criteria provided, single submitter. Criteria: ACMG Guidelines, 2015. Collection method: clinical testing. Allele origin: germline.
Comment: This variant is located in the CACNA1S protein. To our knowledge, functional studies have not been reported for this variant. This variant has not been reported in individuals affected with CACNA1S-related disorders in the literature. This variant has been identified in 1/251234 chromosomes in the general population by the Genome Aggregation Database (gnomAD). The available evidence is insufficient to determine the role of this variant in disease conclusively. Therefore, this variant is classified as a Variant of Uncertain Significance.

NM_000069.3(CACNA1S):c.258G>A (p.Leu86=)

Gene: CACNA1S (calcium voltage-gated channel subunit alpha1 S; minus strand). Cytogenetic location: 1q32.1.
Variant type: single nucleotide variant.
Coding change: c.258G>A on transcript NM_000069.3 (MANE Select); coding-DNA position 258, G replaced by A.
Protein change: p.Leu86=; no amino-acid change (leucine 86 retained).
Molecular consequence: synonymous variant.
Genome position (GRCh38, 1-based): chr1:201,110,164, C>T on the plus strand (G>A on the coding strand, the complement: CACNA1S is on the minus strand). VCF-style: chr1-201110164-C-T. GRCh37 (hg19) VCF-style: chr1-201079292-C-T.
Identifiers: ClinVar variation 4758345 (VCV004758345.1).